The following is an entry in ClinVar:

NM_001605.3(AARS1):c.323A>T (p.Asp108Val)

Gene: AARS1 (alanyl-tRNA synthetase 1; minus strand). Cytogenetic location: 16q22.1.
Variant type: single nucleotide variant.
Coding change: c.323A>T on transcript NM_001605.3 (MANE Select); coding-DNA position 323, A replaced by T.
Protein change: p.Asp108Val; replaces aspartic acid 108 with valine.
Molecular consequence: missense variant.
Genome position (GRCh38, 1-based): chr16:70,276,976, T>A on the plus strand (A>T on the coding strand, the complement: AARS1 is on the minus strand). VCF-style: chr16-70276976-T-A. GRCh37 (hg19) VCF-style: chr16-70310879-T-A.
Other names: short protein forms D108V.
Identifiers: ClinVar variation 1800019 (VCV001800019.2), dbSNP rs2507029489, ClinGen allele CA396569323.

ClinVar aggregate classification (germline): Uncertain significance (1 of 4 stars; one submission).

Conditions:
Inborn genetic diseases. Identifiers: MedGen C0950123, MeSH D030342.

gnomAD v4.1: 1 of 1,614,120 alleles (0.000062%); no homozygotes.

Submission:

Ambry Genetics
Classification: Uncertain significance for Inborn genetic diseases. Last evaluated: 2022-02-11. Review status: criteria provided, single submitter. Criteria: Ambry Variant Classification Scheme 2023. Collection method: clinical testing. Allele origin: germline.
Comment: The p.D108V variant (also known as c.323A>T), located in coding exon 2 of the AARS gene, results from an A to T substitution at nucleotide position 323. The aspartic acid at codon 108 is replaced by valine, an amino acid with highly dissimilar properties. This amino acid position is conserved. In addition, this alteration is predicted to be deleterious by in silico analysis. Since supporting evidence is limited at this time, the clinical significance of this alteration remains unclear.